The following is an entry in ClinVar:

ClinVar aggregate classification (germline): Uncertain significance (1 of 4 stars; one submission).

Conditions:
Neuromuscular disease caused by qualitative or quantitative defects of dysferlin. Also called: Dysferlinopathy; Qualitative or quantitative defects of dysferlin. Identifiers: Orphanet 207073, MedGen C2931687, MONDO:0016145.

gnomAD v4.1: 11 of 1,614,154 alleles (0.00068%); highest among the groups gnomAD compares: Non-Finnish European, 0.00085%; no homozygotes.

Submission:

Labcorp Genetics (formerly Invitae), Labcorp
Classification: Uncertain significance for Neuromuscular disease caused by qualitative or quantitative defects of dysferlin. Last evaluated: 2022-02-03. Review status: criteria provided, single submitter. Criteria: Invitae Variant Classification Sherloc (09022015). Collection method: clinical testing. Allele origin: germline.
Comment: In summary, the available evidence is currently insufficient to determine the role of this variant in disease. Therefore, it has been classified as a Variant of Uncertain Significance. Advanced modeling of protein sequence and biophysical properties (such as structural, functional, and spatial information, amino acid conservation, physicochemical variation, residue mobility, and thermodynamic stability) performed at Invitae indicates that this missense variant is not expected to disrupt DYSF protein function. This variant has not been reported in the literature in individuals affected with DYSF-related conditions. This variant is not present in population databases (gnomAD no frequency). This sequence change replaces proline, which is neutral and non-polar, with arginine, which is basic and polar, at codon 1575 of the DYSF protein (p.Pro1575Arg).

NM_001130987.2(DYSF):c.4841C>G (p.Pro1614Arg)

Gene: DYSF (dysferlin; plus strand). Cytogenetic location: 2p13.2.
Variant type: single nucleotide variant.
Coding change: c.4841C>G on transcript NM_001130987.2 (MANE Select); coding-DNA position 4841, C replaced by G.
Protein change: p.Pro1614Arg; replaces proline 1614 with arginine.
Molecular consequence: missense variant.
Genome position (GRCh38, 1-based): chr2:71,658,963, C>G. VCF-style: chr2-71658963-C-G. GRCh37 (hg19) VCF-style: chr2-71886093-C-G.
Other names: c.4727C>G, p.Pro1576Arg (NM_001130455.2); c.4682C>G, p.Pro1561Arg (NM_001130976.2); c.4745C>G, p.Pro1582Arg (NM_001130977.2); c.4787C>G, p.Pro1596Arg (NM_001130978.2); c.4817C>G, p.Pro1606Arg (NM_001130979.2); c.4775C>G, p.Pro1592Arg (NM_001130980.2); c.4838C>G, p.Pro1613Arg (NM_001130981.2); c.4820C>G, p.Pro1607Arg (NM_001130982.2); and 5 more; short protein forms P1575R, P1582R, P1583R, P1561R, P1592R, P1596R, P1597R, P1613R.
Identifiers: ClinVar variation 1477434 (VCV001477434.8), dbSNP rs2152941060, ClinGen allele CA347219776.